The following is an entry in ClinVar:

ClinVar aggregate classification (germline): Conflicting classifications of pathogenicity. Review status: criteria provided, conflicting classifications (1 of 4 stars). 2 submissions from 2 submitters: Uncertain significance (1); Benign (1). Last evaluated 2024-09-30.

Conditions:
Hereditary cancer-predisposing syndrome. Also called: Neoplastic Syndromes, Hereditary; Hereditary Cancer Syndrome; Tumor predisposition; Hereditary neoplastic syndrome. Identifiers: Orphanet 140162, MedGen C0027672, MeSH D009386, MONDO:0015356.
Familial adenomatous polyposis 1 (FAP1). Also called: FAMILIAL ADENOMATOUS POLYPOSIS 1, ATTENUATED; POLYPOSIS, ADENOMATOUS INTESTINAL. Identifiers: MedGen C2713442, MONDO:0021056, OMIM 175100. Disease mechanism: loss of function.

Submissions (2):

Myriad Genetics, Inc.
Classification: Benign for Familial adenomatous polyposis 1. Last evaluated: 2024-09-30. Review status: criteria provided, single submitter. Criteria: Myriad Autosomal Dominant, Autosomal Recessive and X-Linked Classification Criteria (2023). Collection method: clinical testing. Allele origin: unknown.
Comment: This variant is considered benign. This variant occurs in the non-coding 3' untranslated region of the gene, and is not expected to impact protein function.

Color Diagnostics, LLC DBA Color Health
Classification: Uncertain significance for Hereditary cancer-predisposing syndrome. Last evaluated: 2019-03-21. Review status: criteria provided, single submitter. Criteria: ACMG Guidelines, 2015. Collection method: clinical testing. Allele origin: germline.

NM_000038.6(APC):c.*9A>G

Gene: APC (APC regulator of Wnt signaling pathway; plus strand). Cytogenetic location: 5q22.2.
Variant type: single nucleotide variant.
Coding change: c.*9A>G on transcript NM_000038.6 (MANE Select); 9 bases downstream of the stop codon, A replaced by G.
Molecular consequence: 3 prime UTR variant.
Genome position (GRCh38, 1-based): chr5:112,844,135, A>G. VCF-style: chr5-112844135-A-G. GRCh37 (hg19) VCF-style: chr5-112179832-A-G.
Other names: c.*9A>G (NM_001127510.3, NM_001127511.3, NM_001354895.2 and 11 more transcripts).
Identifiers: ClinVar variation 928030 (VCV000928030.3), dbSNP rs1766773391, ClinGen allele CA913188217.